The following continues an entry in ClinVar:

NM_002834.5(PTPN11):c.228G>T (p.Glu76Asp)

Gene: PTPN11. ClinVar aggregate classification (germline): Pathogenic. Pathogenic (11).

Submissions 11 to 13 of 13:

Women's Health and Genetics/Laboratory Corporation of America, LabCorp
Classification: Pathogenic for RASopathy. Last evaluated: 2017-03-20. Review status: criteria provided, single submitter. Criteria: LabCorp Variant Classification Summary - May 2015. Collection method: clinical testing. Allele origin: germline.
Comment: Variant summary: The PTPN11 c.228G>T (p.Glu76Asp) variant causes a missense change involving the alteration of a conserved nucleotide. 3/4 in silico tools predict a damaging outcome for this variant (SNPs&GO not captured due to low reliability index). This variant is absent in 122184 control chromosomes (ACMG PM2). This variant is found in the N-SH2 domain (IPR000980), a regulatory module of intracellular signaling cascades through its interaction with high affinity to phosphotyrosine-containing target peptides (ACMG PM1). This is a hotspot, with multiple missense variants in the same residue being known likely pathogenic variants (p.Glu76Lys, p.Glu76Ala, p.Glu76Val, p.Glu76Gly). In addition, multiple functional studies (Tartaglia_AJHG_2006, Edouard_MCB_2010, Keilhack_JBC_2005) showed that this variant increased basal and stimulated phosphatase activity by as much as 3-fold, determining a gain-of-function phenotype (ACMG PS3). This variant, and another variant c.228G>C that leads to the same amino acid change (E76D) have been reported in several patients with a clinical diagnosis of Noonan syndrome (ACMG PS1). In addition, multiple clinical diagnostic laboratories/reputable databases classified this variant as pathogenic (ACMG PP5). Lastly, these evidences support the classification of this variant as "Pathogenic" based upon ACMG guidelines (PS1, PS3, PM1, PM2, PP5). Taken together, this variant is classified as Pathogenic.

Baylor Genetics
Classification: Pathogenic for Rasopathy. Review status: no assertion criteria provided. Collection method: clinical testing. Allele origin: unknown. Affected: yes. Not counted in ClinVar's aggregate classification.
Comment: Variant classified using ACMG guidelines

Division of Human Genetics, National Health Laboratory Service/University of the Witwatersrand
Classification: Pathogenic for Noonan syndrome 1. Review status: no assertion criteria provided. Collection method: research. Allele origin: unknown. Affected: yes. Observed: 1 variant allele. Not counted in ClinVar's aggregate classification.

Literature cited by the submitters: PubMed 11704759 (cited by Labcorp Genetics (formerly Invitae), Labcorp and Laboratory for Molecular Medicine, Mass General Brigham Personalized Medicine); PubMed 12634870 (cited by 4 submitters); PubMed 16830086 (cited by Labcorp Genetics (formerly Invitae), Labcorp and Laboratory for Molecular Medicine, Mass General Brigham Personalized Medicine); PubMed 18678287 (cited by Labcorp Genetics (formerly Invitae), Labcorp and Ambry Genetics); PubMed 22190897 (cited by 3 submitters); PubMed 15834506 (cited by Labcorp Genetics (formerly Invitae), Labcorp and Women's Health and Genetics/Laboratory Corporation of America, LabCorp); PubMed 16358218 (cited by 5 submitters); PubMed 17177198 (cited by Labcorp Genetics (formerly Invitae), Labcorp and Laboratory for Molecular Medicine, Mass General Brigham Personalized Medicine); PubMed 15985475 (cited by Ambry Genetics); PubMed 15987685 (cited by 3 submitters); PubMed 25862627 (cited by Ambry Genetics and Women's Health and Genetics/Laboratory Corporation of America, LabCorp); PubMed 38540404 (cited by Ambry Genetics); PubMed 38572385 (cited by Ambry Genetics); PubMed 20308328 (cited by 3 submitters); PubMed 29493581 (cited by Laboratory for Molecular Medicine, Mass General Brigham Personalized Medicine); PubMed 30029678 (cited by Laboratory for Molecular Medicine, Mass General Brigham Personalized Medicine); PubMed 29907801 (cited by Laboratory for Molecular Medicine, Mass General Brigham Personalized Medicine); PubMed 16377799 (cited by Women's Health and Genetics/Laboratory Corporation of America, LabCorp); PubMed 12826400 (cited by Women's Health and Genetics/Laboratory Corporation of America, LabCorp); PubMed 15928039 (cited by Women's Health and Genetics/Laboratory Corporation of America, LabCorp); PubMed 26673822 (cited by Women's Health and Genetics/Laboratory Corporation of America, LabCorp); PubMed 16987887 (cited by Women's Health and Genetics/Laboratory Corporation of America, LabCorp); PubMed 12717436 (cited by Women's Health and Genetics/Laboratory Corporation of America, LabCorp); PubMed 20186801 (cited by Women's Health and Genetics/Laboratory Corporation of America, LabCorp); PubMed 19077116 (cited by Women's Health and Genetics/Laboratory Corporation of America, LabCorp); PubMed 18470943 (cited by Women's Health and Genetics/Laboratory Corporation of America, LabCorp).